The following is an entry in ClinVar:

NM_004260.4(RECQL4):c.467G>A (p.Ser156Asn)

Gene: RECQL4 (RecQ like helicase 4; minus strand). Cytogenetic location: 8q24.3.
Variant type: single nucleotide variant.
Coding change: c.467G>A on transcript NM_004260.4 (MANE Select); coding-DNA position 467, G replaced by A.
Protein change: p.Ser156Asn; replaces serine 156 with asparagine.
Molecular consequence: missense variant.
Genome position (GRCh38, 1-based): chr8:144,516,652, C>T on the plus strand (G>A on the coding strand, the complement: RECQL4 is on the minus strand). VCF-style: chr8-144516652-C-T. GRCh37 (hg19) VCF-style: chr8-145742036-C-T.
Other names: c.467G>A (NM_004260.3); short protein forms S156N.
Identifiers: ClinVar variation 1467758 (VCV001467758.7), dbSNP rs1481579348, ClinGen allele CA372691365.

ClinVar aggregate classification (germline): Uncertain significance. Review status: criteria provided, multiple submitters, no conflicts (2 of 4 stars). 2 submissions from 2 submitters: Uncertain significance (2). Last evaluated 2025-09-01.

Conditions:
Baller-Gerold syndrome (BGS). Also called: CRANIOSYNOSTOSIS WITH RADIAL DEFECTS. Identifiers: Orphanet 1225, MedGen C0265308, MONDO:0009039, OMIM 218600.
Inborn genetic diseases. Identifiers: MedGen C0950123, MeSH D030342.

Allele frequency attached by ClinVar (database versions not stated): gnomAD 0.00001.
gnomAD v4.1: 2 of 1,603,390 alleles (0.00012%); highest among the groups gnomAD compares: African/African-American, 0.0027%; no homozygotes.

Submissions (2):

Ambry Genetics
Classification: Uncertain significance for Inborn genetic diseases. Last evaluated: 2025-09-01. Review status: criteria provided, single submitter. Criteria: Ambry Variant Classification Scheme 2023. Collection method: clinical testing. Allele origin: germline.
Comment: The p.S156N variant (also known as c.467G>A), located in coding exon 5 of the RECQL4 gene, results from a G to A substitution at nucleotide position 467. The serine at codon 156 is replaced by asparagine, an amino acid with highly similar properties. This amino acid position is conserved. In addition, this alteration is predicted to be tolerated by in silico analysis. Based on the available evidence, the clinical significance of this variant remains unclear.

Labcorp Genetics (formerly Invitae), Labcorp
Classification: Uncertain significance for Baller-Gerold syndrome. Last evaluated: 2023-10-03. Review status: criteria provided, single submitter. Criteria: Invitae Variant Classification Sherloc (09022015). Collection method: clinical testing. Allele origin: germline.
Comment: This sequence change replaces serine, which is neutral and polar, with asparagine, which is neutral and polar, at codon 156 of the RECQL4 protein (p.Ser156Asn). This variant is present in population databases (no rsID available, gnomAD 0.01%). This variant has not been reported in the literature in individuals affected with RECQL4-related conditions. ClinVar contains an entry for this variant (Variation ID: 1467758). Experimental studies and prediction algorithms are not available or were not evaluated, and the functional significance of this variant is currently unknown. In summary, the available evidence is currently insufficient to determine the role of this variant in disease. Therefore, it has been classified as a Variant of Uncertain Significance.